The following is an entry in ClinVar:

NM_024596.5(MCPH1):c.1370A>G (p.Glu457Gly)

Gene: MCPH1 (microcephalin 1; plus strand). Cytogenetic location: 8p23.1.
Variant type: single nucleotide variant.
Coding change: c.1370A>G on transcript NM_024596.5 (MANE Select); coding-DNA position 1370, A replaced by G.
Protein change: p.Glu457Gly; replaces glutamic acid 457 with glycine.
Molecular consequence: missense variant. On other transcripts: non-coding transcript variant (1).
Genome position (GRCh38, 1-based): chr8:6,445,092, A>G. VCF-style: chr8-6445092-A-G. GRCh37 (hg19) VCF-style: chr8-6302613-A-G.
Other names: c.1370A>G, p.Glu457Gly (NM_001172574.2, NM_001322042.2, NM_001363979.1 and 1 more transcripts); c.1226A>G, p.Glu409Gly (NM_001172575.2); c.1364A>G, p.Glu455Gly (NM_001322043.2); c.1268A>G, p.Glu423Gly (NM_001322045.2); short protein forms E409G, E423G, E455G, E457G.
Identifiers: ClinVar variation 1305237 (VCV001305237.2), dbSNP rs1438992000, ClinGen allele CA370221500.

ClinVar aggregate classification (germline): Uncertain significance (1 of 4 stars; one submission).

Allele frequency attached by ClinVar (database versions not stated): gnomAD exomes below 0.00001; TOPMed below 0.00001; gnomAD 0.00001.
gnomAD v4.1: 2 of 1,614,158 alleles (0.00012%); highest among the groups gnomAD compares: Admixed American, 0.0033%; no homozygotes.

Submission:

GeneDx
Classification: Uncertain significance. Last evaluated: 2019-05-13. Review status: criteria provided, single submitter. Criteria: GeneDx Variant Classification Process June 2021. Collection method: clinical testing. Allele origin: germline. Affected: yes.
Comment: Not observed at a significant frequency in large population cohorts (Lek et al., 2016); In silico analysis, which includes protein predictors and evolutionary conservation, supports a deleterious effect; Has not been previously published as pathogenic or benign to our knowledge